The following is an entry in ClinVar:

NM_198253.3(TERT):c.1775A>T (p.His592Leu)

Gene: TERT (telomerase reverse transcriptase; minus strand). Cytogenetic location: 5p15.33.
Variant type: single nucleotide variant.
Coding change: c.1775A>T on transcript NM_198253.3 (MANE Select); coding-DNA position 1775, A replaced by T.
Protein change: p.His592Leu; replaces histidine 592 with leucine.
Molecular consequence: missense variant. On other transcripts: non-coding transcript variant (2).
Genome position (GRCh38, 1-based): chr5:1,280,333, T>A on the plus strand (A>T on the coding strand, the complement: TERT is on the minus strand). VCF-style: chr5-1280333-T-A. GRCh37 (hg19) VCF-style: chr5-1280448-T-A.
Other names: c.1775A>T, p.His592Leu (NM_001193376.3); short protein forms H592L.
Identifiers: ClinVar variation 1058980 (VCV001058980.9), dbSNP rs2126644777, ClinGen allele CA359082132.

ClinVar aggregate classification (germline): Uncertain significance (1 of 4 stars; one submission).

Conditions:
Dyskeratosis congenita, autosomal dominant 2. Identifiers: MedGen C3151443, MONDO:0013521, OMIM 613989.
Idiopathic Pulmonary Fibrosis. Also called: Idiopathic fibrosing alveolitis, chronic form; idiopathic fibrosing alveolitis. Identifiers: Orphanet 2032, MedGen C1800706, MeSH D054990, MONDO:0800504.

Submission:

Labcorp Genetics (formerly Invitae), Labcorp
Classification: Uncertain significance for Dyskeratosis congenita, autosomal dominant 2; Idiopathic Pulmonary Fibrosis. Last evaluated: 2020-04-13. Review status: criteria provided, single submitter. Criteria: Invitae Variant Classification Sherloc (09022015). Collection method: clinical testing. Allele origin: germline.
Comment: In summary, the available evidence is currently insufficient to determine the role of this variant in disease. Therefore, it has been classified as a Variant of Uncertain Significance. Algorithms developed to predict the effect of missense changes on protein structure and function output the following: SIFT: "Tolerated"; PolyPhen-2: "Benign"; Align-GVGD: "Class C0". The leucine amino acid residue is found in multiple mammalian species, suggesting that this missense change does not adversely affect protein function. These predictions have not been confirmed by published functional studies and their clinical significance is uncertain. This variant has not been reported in the literature in individuals with TERT-related conditions. This variant is not present in population databases (ExAC no frequency). This sequence change replaces histidine with leucine at codon 592 of the TERT protein (p.His592Leu). The histidine residue is moderately conserved and there is a moderate physicochemical difference between histidine and leucine.